The following is an entry in ClinVar:

NM_014920.5(CILK1):c.1702A>G (p.Met568Val)

Gene: CILK1 (ciliogenesis associated kinase 1; minus strand). Cytogenetic location: 6p12.1.
Variant type: single nucleotide variant.
Coding change: c.1702A>G on transcript NM_014920.5 (MANE Select); coding-DNA position 1702, A replaced by G.
Protein change: p.Met568Val; replaces methionine 568 with valine.
Molecular consequence: missense variant. On other transcripts: non-coding transcript variant (1).
Genome position (GRCh38, 1-based): chr6:53,006,357, T>C on the plus strand (A>G on the coding strand, the complement: CILK1 is on the minus strand). VCF-style: chr6-53006357-T-C. GRCh37 (hg19) VCF-style: chr6-52871155-T-C.
Other names: c.1723A>G, p.Met575Val (NM_001375397.1); c.1702A>G, p.Met568Val (NM_001375398.1, NM_001375399.1, NM_001375400.1 and 3 more transcripts); c.1702A>G (NM_016513.4); short protein forms M568V, M575V.
Identifiers: ClinVar variation 502474 (VCV000502474.11), dbSNP rs145842629, ClinGen allele CA3858486.

ClinVar aggregate classification (germline): Conflicting classifications of pathogenicity. Review status: criteria provided, conflicting classifications (1 of 4 stars). 5 submissions from 5 submitters: Uncertain significance (3); Likely benign (1). 1 of the submissions does not count toward it. Last evaluated 2022-07-18.

Conditions:
CILK1-related disorder. Also called: CILK1-related condition.

Allele frequency attached by ClinVar (database versions not stated): ExAC 0.00019; gnomAD 0.00051; 1000 Genomes Project 30x 0.00062; gnomAD exomes 0.00013; 1000 Genomes Project 0.00080; TOPMed 0.00045; ESP Exome Variant Server 0.00077.
gnomAD v4.1: 199 of 1,613,664 alleles (0.012%); highest among the groups gnomAD compares: African/African-American, 0.16%; no homozygotes.

Submissions (5):

Labcorp Genetics (formerly Invitae), Labcorp
Classification: Uncertain significance. Last evaluated: 2022-07-18. Review status: criteria provided, single submitter. Criteria: Invitae Variant Classification Sherloc (09022015). Collection method: clinical testing. Allele origin: germline.
Comment: This sequence change replaces methionine, which is neutral and non-polar, with valine, which is neutral and non-polar, at codon 568 of the ICK protein (p.Met568Val). This variant is present in population databases (rs145842629, gnomAD 0.2%). This variant has not been reported in the literature in individuals affected with ICK-related conditions. ClinVar contains an entry for this variant (Variation ID: 502474). Algorithms developed to predict the effect of missense changes on protein structure and function output the following: SIFT: "Tolerated"; PolyPhen-2: "Benign"; Align-GVGD: "Class C0". The valine amino acid residue is found in multiple mammalian species, which suggests that this missense change does not adversely affect protein function. In summary, the available evidence is currently insufficient to determine the role of this variant in disease. Therefore, it has been classified as a Variant of Uncertain Significance.

Ambry Genetics
Classification: Likely benign. Last evaluated: 2022-06-24. Review status: criteria provided, single submitter. Criteria: Ambry Variant Classification Scheme 2023. Collection method: clinical testing. Allele origin: germline.

Eurofins Ntd Llc (ga)
Classification: Uncertain significance. Last evaluated: 2017-06-15. Review status: criteria provided, single submitter. Criteria: EGL Classification Definitions 2015. Collection method: clinical testing. Allele origin: germline. Observed: 1 variant allele, 1 heterozygote.

Breakthrough Genomics
Classification: Uncertain significance. Review status: criteria provided, single submitter. Criteria: ACMG Guidelines, 2015. Collection method: not provided. Allele origin: germline. Inheritance: Autosomal recessive inheritance. Affected: yes.

PreventionGenetics, part of Exact Sciences
Classification: Likely benign for CILK1-related condition. Last evaluated: 2022-10-20. Review status: no assertion criteria provided. Collection method: clinical testing. Allele origin: germline. Not counted in ClinVar's aggregate classification.
Comment: This variant is classified as likely benign based on ACMG/AMP sequence variant interpretation guidelines (Richards et al. 2015 PMID: 25741868, with internal and published modifications).